The following is an entry in ClinVar:

ClinVar aggregate classification (germline): Likely benign. Review status: criteria provided, multiple submitters, no conflicts (2 of 4 stars). 2 submissions from 2 submitters: Likely benign (2). Last evaluated 2024-02-06.

Conditions:
Familial thoracic aortic aneurysm and aortic dissection (TAAD). Also called: Thoracic aortic aneurysms and dissections. Identifiers: Orphanet 91387, MedGen C4707243, MONDO:0019625.
Diabetic retinopathy. Identifiers: MedGen C0011884, MONDO:0005266.

Allele frequency attached by ClinVar (database versions not stated): gnomAD exomes 0.00001.
gnomAD v4.1: 4 of 1,614,170 alleles (0.00025%); highest among the groups gnomAD compares: Non-Finnish European, 0.00034%; no homozygotes.

Submissions (2):

Labcorp Genetics (formerly Invitae), Labcorp
Classification: Likely benign for Familial thoracic aortic aneurysm and aortic dissection. Last evaluated: 2024-02-06. Review status: criteria provided, single submitter. Criteria: Invitae Variant Classification Sherloc (09022015). Collection method: clinical testing. Allele origin: germline.

Clinical Genomics, Uppaluri K&H Personalized Medicine Clinic
Classification: Likely benign for Diabetic retinopathy. Review status: criteria provided, single submitter. Criteria: K And H Uppaluri Personalized Medicine Clinic Variant Classification And Assertion Criteria Updated V 2. Collection method: research. Allele origin: unknown.
Comment: Potent mutations in TGFBR2 gene encodes the transforming growth factor that have been associated with angiogenesis and diabetic retinopathy. More clinical studies are needed for stronger association. However, more evidence is required to confer the association of this particular variant rs112864356 with diabetic retinopathy.

Literature cited by the submitters: PubMed 30222965 (cited by Clinical Genomics, Uppaluri K&H Personalized Medicine Clinic); PubMed 28162229 (cited by Clinical Genomics, Uppaluri K&H Personalized Medicine Clinic); PubMed 34572573 (cited by Clinical Genomics, Uppaluri K&H Personalized Medicine Clinic).

NM_003242.6(TGFBR2):c.222C>T (p.Thr74=)

Gene: TGFBR2 (transforming growth factor beta receptor 2; plus strand). Cytogenetic location: 3p24.1.
Variant type: single nucleotide variant.
Coding change: c.222C>T on transcript NM_003242.6 (MANE Select); coding-DNA position 222, C replaced by T.
Protein change: p.Thr74=; no amino-acid change (threonine 74 retained).
Molecular consequence: synonymous variant. On other transcripts: intron variant (2).
Genome position (GRCh38, 1-based): chr3:30,644,874, C>T. VCF-style: chr3-30644874-C-T. GRCh37 (hg19) VCF-style: chr3-30686366-C-T.
Other names: c.297C>T, p.Thr99= (NM_001407139.1, NM_001024847.3, NM_001407126.1); c.169+21601C>T (NM_001407137.1); c.95-26764C>T (NM_001407138.1); c.222C>T, p.Thr74= (NM_001407127.1, NM_001407130.1); c.249C>T, p.Thr83= (NM_001407128.1); c.117C>T, p.Thr39= (NM_001407129.1, NM_001407132.1, NM_001407133.1 and 3 more transcripts).
Identifiers: ClinVar variation 414976 (VCV000414976.10), dbSNP rs112864356, ClinGen allele CA16611211.